The following is an entry in ClinVar:

ClinVar aggregate classification (germline): Conflicting classifications of pathogenicity. Review status: criteria provided, conflicting classifications (1 of 4 stars). 4 submissions from 4 submitters: Uncertain significance (3); Likely benign (1). Last evaluated 2025-11-22.

Conditions:
Hereditary nonpolyposis colorectal neoplasms. Identifiers: MedGen C0009405, MeSH D003123.
Hereditary cancer-predisposing syndrome. Also called: Tumor predisposition; Hereditary neoplastic syndrome; Neoplastic Syndromes, Hereditary; Hereditary Cancer Syndrome. Identifiers: Orphanet 140162, MedGen C0027672, MeSH D009386, MONDO:0015356.

Allele frequency attached by ClinVar (database versions not stated): TOPMed 0.00001.

Submissions (4):

Labcorp Genetics (formerly Invitae), Labcorp
Classification: Likely benign for Hereditary nonpolyposis colorectal neoplasms. Last evaluated: 2025-11-22. Review status: criteria provided, single submitter. Criteria: Invitae Variant Classification Sherloc (09022015). Collection method: clinical testing. Allele origin: germline.

Color Diagnostics, LLC DBA Color Health
Classification: Uncertain significance for Hereditary cancer-predisposing syndrome. Last evaluated: 2025-06-20. Review status: criteria provided, single submitter. Criteria: ACMG Guidelines, 2015. Collection method: clinical testing. Allele origin: germline.
Comment: This missense variant replaces valine with methionine at codon 734 of the MSH6 protein. Computational prediction suggests that this variant may have deleterious impact on protein structure and function. To our knowledge, functional studies have not been reported for this variant. This variant has not been reported in individuals affected with MSH6-related disorders in the literature. This variant has not been identified in the general population by the Genome Aggregation Database (gnomAD). The available evidence is insufficient to determine the role of this variant in disease conclusively. Therefore, this variant is classified as a Variant of Uncertain Significance.

Ambry Genetics
Classification: Uncertain significance for Hereditary cancer-predisposing syndrome. Last evaluated: 2025-01-21. Review status: criteria provided, single submitter. Criteria: Ambry Variant Classification Scheme 2023. Collection method: clinical testing. Allele origin: germline.

GeneDx
Classification: Uncertain significance. Last evaluated: 2023-07-13. Review status: criteria provided, single submitter. Criteria: GeneDx Variant Classification Process June 2021. Collection method: clinical testing. Allele origin: germline. Affected: yes.
Comment: Not observed at significant frequency in large population cohorts (gnomAD); In silico analysis supports that this missense variant has a deleterious effect on protein structure/function; Has not been previously published as pathogenic or benign to our knowledge; This variant is associated with the following publications: (PMID: 31925297, 17531815, 21120944)

NM_000179.3(MSH6):c.2200G>A (p.Val734Met)

Gene: MSH6 (mutS homolog 6; plus strand). Cytogenetic location: 2p16.3.
Variant type: single nucleotide variant.
Coding change: c.2200G>A on transcript NM_000179.3 (MANE Select); coding-DNA position 2200, G replaced by A.
Protein change: p.Val734Met; replaces valine 734 with methionine.
Molecular consequence: missense variant.
Genome position (GRCh38, 1-based): chr2:47,800,183, G>A. VCF-style: chr2-47800183-G-A. GRCh37 (hg19) VCF-style: chr2-48027322-G-A.
Other names: c.1810G>A, p.Val604Met (NM_001281492.2); c.1294G>A, p.Val432Met (NM_001281493.2, NM_001281494.2); short protein forms V734M, V604M, V432M.
Identifiers: ClinVar variation 135833 (VCV000135833.23), dbSNP rs587780671, ClinGen allele CA009862.